The following is an entry in ClinVar:

ClinVar aggregate classification (germline): Likely benign (1 of 4 stars; one submission).

Conditions:
AKR1D1-related disorder. Also called: AKR1D1-related condition.

gnomAD v4.1: 23 of 1,594,554 alleles (0.0014%); highest among the groups gnomAD compares: Admixed American, 0.0067%; no homozygotes.

Submission:

PreventionGenetics, part of Exact Sciences
Classification: Likely benign for AKR1D1-related condition. Last evaluated: 2025-11-26. Review status: criteria provided, single submitter. Criteria: ACMG Guidelines, 2015. Collection method: clinical testing. Allele origin: germline.
Comment: This variant is classified as likely benign based on ACMG/AMP sequence variant interpretation guidelines (Richards et al. 2015 PMID: 25741868, with internal and published modifications).

NM_005989.4(AKR1D1):c.262-8T>A

Gene: AKR1D1 (aldo-keto reductase family 1 member D1; plus strand). Cytogenetic location: 7q33.
Variant type: single nucleotide variant.
Coding change: c.262-8T>A on transcript NM_005989.4 (MANE Select); 8 bases into the intron before coding-DNA position 262, T replaced by A.
Molecular consequence: intron variant.
Genome position (GRCh38, 1-based): chr7:138,091,760, T>A. VCF-style: chr7-138091760-T-A. GRCh37 (hg19) VCF-style: chr7-137776506-T-A.
Other names: c.262-8T>A (NM_001190907.2, NM_001190906.2).
Identifiers: ClinVar variation 4981385 (VCV004981385.1).